The following is an entry in ClinVar:

NM_012418.4(FSCN2):c.1453G>T (p.Ala485Ser)

Gene: FSCN2 (fascin actin-bundling protein 2, retinal; plus strand). Cytogenetic location: 17q25.3.
Variant type: single nucleotide variant.
Coding change: c.1453G>T on transcript NM_012418.4 (MANE Select); coding-DNA position 1453, G replaced by T.
Protein change: p.Ala485Ser; replaces alanine 485 with serine.
Molecular consequence: missense variant.
Genome position (GRCh38, 1-based): chr17:81,537,054, G>T. VCF-style: chr17-81537054-G-T. GRCh37 (hg19) VCF-style: chr17-79504080-G-T.
Other names: c.1525G>T, p.Ala509Ser (NM_001077182.3); short protein forms A485S, A509S.
Identifiers: ClinVar variation 948338 (VCV000948338.9), dbSNP rs2032912114, ClinGen allele CA401479176.
Genomic context (GRCh38, chr17:81,537,054, plus strand): 5'-AGCGGCAAGTACCTGCGCGGCGGCGCCTCGGGCCTGCTGCGGGCCGATGCCGACGCCCCG[G>T]CCGGGACCGCGCTTTGGGAGTACTGAGGCCGCGCCCAGACCAGCCTGTCGCGCATTAAAA-3'
Protein context (NP_036550.1, residues 475-492): GLLRADADAP[Ala485Ser]GTALWEY

ClinVar aggregate classification (germline): Uncertain significance (1 of 4 stars; one submission).

Submission:

Labcorp Genetics (formerly Invitae), Labcorp
Classification: Uncertain significance. Last evaluated: 2019-11-12. Review status: criteria provided, single submitter. Criteria: Invitae Variant Classification Sherloc (09022015). Collection method: clinical testing. Allele origin: germline.
Comment: In summary, the available evidence is currently insufficient to determine the role of this variant in disease. Therefore, it has been classified as a Variant of Uncertain Significance. Algorithms developed to predict the effect of missense changes on protein structure and function output the following: SIFT: "Tolerated"; PolyPhen-2: "Benign"; Align-GVGD: "Class C0". The serine amino acid residue is found in multiple mammalian species, suggesting that this missense change does not adversely affect protein function. These predictions have not been confirmed by published functional studies and their clinical significance is uncertain. This variant has not been reported in the literature in individuals with FSCN2-related conditions. The frequency data for this variant in the population databases is considered unreliable, as metrics indicate insufficient coverage at this position in the ExAC database. This sequence change replaces alanine with serine at codon 509 of the FSCN2 protein (p.Ala509Ser). The alanine residue is weakly conserved and there is a moderate physicochemical difference between alanine and serine.